The following is an entry in ClinVar:

NM_201548.5(CERKL):c.677+626G>A

Gene: CERKL (CERK like autophagy regulator; minus strand). Cytogenetic location: 2q31.3.
Variant type: single nucleotide variant.
Coding change: c.677+626G>A on transcript NM_201548.5 (MANE Select); 626 bases into the intron after coding-DNA position 677, G replaced by A.
Molecular consequence: intron variant. On other transcripts: splice donor variant (2).
Genome position (GRCh38, 1-based): chr2:181,565,432, C>T on the plus strand (G>A on the coding strand, the complement: CERKL is on the minus strand). VCF-style: chr2-181565432-C-T. GRCh37 (hg19) VCF-style: chr2-182430159-C-T.
Other names: c.482-15724G>A (NM_001030312.3); c.623+1G>A (NM_001160277.2); c.613+8321G>A (NM_001030313.3); c.755+1G>A (NM_001030311.3).
Identifiers: ClinVar variation 2976765 (VCV002976765.3), dbSNP rs2468334213, ClinGen allele CA349742371.

ClinVar aggregate classification (germline): Likely pathogenic (1 of 4 stars; one submission).

Submission:

Labcorp Genetics (formerly Invitae), Labcorp
Classification: Likely pathogenic. Last evaluated: 2024-01-24. Review status: criteria provided, single submitter. Criteria: Invitae Variant Classification Sherloc (09022015). Collection method: clinical testing. Allele origin: germline.
Comment: This sequence change affects a donor splice site in intron 5 of the CERKL gene. It is expected to disrupt RNA splicing. Variants that disrupt the donor or acceptor splice site typically lead to a loss of protein function (PMID: 16199547), and loss-of-function variants in CERKL are known to be pathogenic (PMID: 14681825, 23591405, 24043777). This variant is not present in population databases (gnomAD no frequency). This variant has not been reported in the literature in individuals affected with CERKL-related conditions. Algorithms developed to predict the effect of sequence changes on RNA splicing suggest that this variant may disrupt the consensus splice site. In summary, the currently available evidence indicates that the variant is pathogenic, but additional data are needed to prove that conclusively. Therefore, this variant has been classified as Likely Pathogenic.

Literature cited by the submitters: PubMed 16199547; PubMed 14681825; PubMed 23591405; PubMed 24043777.